The following is an entry in ClinVar:

NM_005343.4(HRAS):c.544A>G (p.Met182Val)

Genes: HRAS (HRas proto-oncogene, GTPase; minus strand), LRRC56 (leucine rich repeat containing 56; plus strand). Cytogenetic location: 11p15.5.
Variant type: single nucleotide variant.
Coding change: c.544A>G on transcript NM_005343.4 (MANE Select); coding-DNA position 544, A replaced by G.
Protein change: p.Met182Val; replaces methionine 182 with valine.
Molecular consequence: missense variant. On other transcripts: 3 prime UTR variant (1).
Genome position (GRCh38, 1-based): chr11:532,662, T>C on the plus strand (A>G on the coding strand, the complement: HRAS is on the minus strand). VCF-style: chr11-532662-T-C. GRCh37 (hg19) VCF-style: chr11-532662-T-C.
Other names: p.M182V:ATG>GTG; c.544A>G, p.Met182Val (NM_001130442.3); c.307A>G, p.Met103Val (NM_001318054.2); c.*113A>G (NM_176795.5); short protein forms M182V, M103V.
Identifiers: ClinVar variation 180853 (VCV000180853.12), dbSNP rs730880465, ClinGen allele CA296070.

ClinVar aggregate classification (germline): Uncertain significance. Review status: criteria provided, multiple submitters, no conflicts (2 of 4 stars). 2 submissions from 2 submitters: Uncertain significance (2). Last evaluated 2024-05-22.

Conditions:
Costello syndrome (CSTLO). Also called: HRAS-Related Costello Syndrome; FACIOCUTANEOSKELETAL SYNDROME; FCS SYNDROME. Identifiers: Orphanet 3071, MedGen C0587248, MONDO:0009026, OMIM 218040.

gnomAD v4.1: 3 of 1,612,736 alleles (0.00019%); highest among the groups gnomAD compares: Non-Finnish European, 0.00025%; no homozygotes.

Submissions (2):

Labcorp Genetics (formerly Invitae), Labcorp
Classification: Uncertain significance for Costello syndrome. Last evaluated: 2024-05-22. Review status: criteria provided, single submitter. Criteria: Invitae Variant Classification Sherloc (09022015). Collection method: clinical testing. Allele origin: germline.
Comment: This sequence change replaces methionine, which is neutral and non-polar, with valine, which is neutral and non-polar, at codon 182 of the HRAS protein (p.Met182Val). This variant is not present in population databases (gnomAD no frequency). This variant has not been reported in the literature in individuals affected with HRAS-related conditions. ClinVar contains an entry for this variant (Variation ID: 180853). Advanced modeling performed at Invitae incorporating data from internal and/or published experimental studies (Invitae) indicates that this missense variant is not expected to disrupt HRAS function with a negative predictive value of 95%. In summary, the available evidence is currently insufficient to determine the role of this variant in disease. Therefore, it has been classified as a Variant of Uncertain Significance.

GeneDx
Classification: Uncertain significance. Last evaluated: 2013-07-15. Review status: criteria provided, single submitter. Criteria: GeneDx Variant Classification (06012015). Collection method: clinical testing. Allele origin: germline. Affected: yes.
Comment: The M182V missense change has not been previously reported as a disease-causing mutation or as a benign polymorphism, to our knowledge. The amino acid substitution is conservative as both Methionine and Valine are uncharged, non-polar amino acid residues. This change occurs at a position in the C-terminal region of the protein where Methionine, Valine and other uncharged, non-polar amino acid residues are present in other species. The vast majority of missense changes in HRAS are pathogenic; however, no other missense mutations at nearby codons have been reported. In addition, in-silico algorithms are not consistent in their predictions of whether M182V is damaging to the structure/function of the protein. Therefore, based on the currently available information, it is unclear whether M182V is a disease-causing mutation or a rare benign variant. The variant is found in NOONAN panel(s).